The following is an entry in ClinVar:

ClinVar aggregate classification (germline): Uncertain significance (1 of 4 stars; one submission).

Allele frequency attached by ClinVar (database versions not stated): gnomAD exomes below 0.00001.
gnomAD v4.1: 4 of 1,614,198 alleles (0.00025%); highest among the groups gnomAD compares: East Asian, 0.0022%; no homozygotes.

Submission:

Labcorp Genetics (formerly Invitae), Labcorp
Classification: Uncertain significance. Last evaluated: 2021-08-30. Review status: criteria provided, single submitter. Criteria: Invitae Variant Classification Sherloc (09022015). Collection method: clinical testing. Allele origin: germline.
Comment: This sequence change replaces aspartic acid with glycine at codon 224 of the GALNT3 protein (p.Asp224Gly). The aspartic acid residue is highly conserved and there is a moderate physicochemical difference between aspartic acid and glycine. This variant is not present in population databases (ExAC no frequency). This variant has not been reported in the literature in individuals affected with GALNT3-related conditions. Algorithms developed to predict the effect of missense changes on protein structure and function (SIFT, PolyPhen-2, Align-GVGD) all suggest that this variant is likely to be disruptive. Algorithms developed to predict the effect of sequence changes on RNA splicing suggest that this variant may create or strengthen a splice site. In summary, the available evidence is currently insufficient to determine the role of this variant in disease. Therefore, it has been classified as a Variant of Uncertain Significance.

NM_004482.4(GALNT3):c.671A>G (p.Asp224Gly)

Gene: GALNT3 (polypeptide N-acetylgalactosaminyltransferase 3; minus strand). Cytogenetic location: 2q24.3.
Variant type: single nucleotide variant.
Coding change: c.671A>G on transcript NM_004482.4 (MANE Select); coding-DNA position 671, A replaced by G.
Protein change: p.Asp224Gly; replaces aspartic acid 224 with glycine.
Molecular consequence: missense variant.
Genome position (GRCh38, 1-based): chr2:165,764,901, T>C on the plus strand (A>G on the coding strand, the complement: GALNT3 is on the minus strand). VCF-style: chr2-165764901-T-C. GRCh37 (hg19) VCF-style: chr2-166621411-T-C.
Other names: short protein forms D224G.
Identifiers: ClinVar variation 1428538 (VCV001428538.5), dbSNP rs1163117371, ClinGen allele CA349041339.